The following is an entry in ClinVar:

ClinVar aggregate classification (germline): Uncertain significance. Review status: criteria provided, multiple submitters, no conflicts (2 of 4 stars). 2 submissions from 2 submitters: Uncertain significance (2). Last evaluated 2024-01-04.

Conditions:
Birt-Hogg-Dube syndrome 1 (BHD1). Also called: FIBROFOLLICULOMAS WITH TRICHODISCOMAS AND ACROCHORDONS. Identifiers: Orphanet 122, MedGen CN375946, MONDO:0800445, OMIM 135150.
Hereditary cancer-predisposing syndrome. Also called: Tumor predisposition; Hereditary Cancer Syndrome; Hereditary neoplastic syndrome; Neoplastic Syndromes, Hereditary. Identifiers: Orphanet 140162, MedGen C0027672, MeSH D009386, MONDO:0015356.

Submissions (2):

Baylor Genetics
Classification: Uncertain significance for Birt-Hogg-Dube syndrome 1. Last evaluated: 2024-01-04. Review status: criteria provided, single submitter. Criteria: ACMG Guidelines, 2015. Collection method: clinical testing. Allele origin: unknown.

Ambry Genetics
Classification: Uncertain significance for Hereditary cancer-predisposing syndrome. Last evaluated: 2016-04-05. Review status: criteria provided, single submitter. Criteria: Ambry Variant Classification Scheme 2023. Collection method: clinical testing. Allele origin: germline.
Comment: The p.H367R variant (also known as c.1100A>G), located in coding exon 7 of the FLCN gene, results from an A to G substitution at nucleotide position 1100. The histidine at codon 367 is replaced by arginine, an amino acid with highly similar properties. This variant was not reported in population based cohorts in the following databases: Database of Single Nucleotide Polymorphisms (dbSNP), NHLBI Exome Sequencing Project (ESP), and 1000 Genomes Project. In the ESP, this variant was not observed in 6503 samples (13006 alleles) with coverage at this position. To date, this alteration has been detected with an allele frequency of approximately 0.01% (greater than 10000 alleles tested) in our clinical cohort. This amino acid position is highly conserved in available vertebrate species. In addition, this alteration is predicted to be deleterious by in silico analysis. Since supporting evidence is limited at this time, the clinical significance of this alteration remains unclear.

NM_144997.7(FLCN):c.1100A>G (p.His367Arg)

Gene: FLCN (folliculin; minus strand). Cytogenetic location: 17p11.2.
Variant type: single nucleotide variant.
Coding change: c.1100A>G on transcript NM_144997.7 (MANE Select); coding-DNA position 1100, A replaced by G.
Protein change: p.His367Arg; replaces histidine 367 with arginine.
Molecular consequence: missense variant.
Genome position (GRCh38, 1-based): chr17:17,217,145, T>C on the plus strand (A>G on the coding strand, the complement: FLCN is on the minus strand). VCF-style: chr17-17217145-T-C. GRCh37 (hg19) VCF-style: chr17-17120459-T-C.
Other names: c.1100A>G (LRG_325t1); c.1154A>G, p.His385Arg (NM_001353229.2); c.1100A>G, p.His367Arg (NM_001353230.2, NM_001353231.2); short protein forms H367R, H385R.
Identifiers: ClinVar variation 485612 (VCV000485612.6), dbSNP rs1555607981, ClinGen allele CA398532331.